The following is an entry in ClinVar:

NM_000551.4(VHL):c.390del (p.Asn131fs)

Genes: VHL (von Hippel-Lindau tumor suppressor; plus strand), LOC107303340 (3p25 von Hippel-Lindau tumor suppressor, E3 ubiquitin protein ligase Alu-mediated recombination region; plus strand). Cytogenetic location: 3p25.3.
Variant type: Deletion.
Coding change: c.390del on transcript NM_000551.4 (MANE Select); coding-DNA position 390, one base deleted (T; older notation c.390delT).
Protein change: p.Asn131fs; shifts the reading frame from asparagine 131.
Molecular consequence: frameshift variant. On other transcripts: intron variant (2).
Genome position (GRCh38, 1-based): chr3:10,146,563, T deleted; the last of 2 consecutive T bases (chr3:10,146,562-10,146,563); deleting either gives the same sequence. VCF-style (leftmost placement, unchanged base first): chr3-10146561-GT-G. GRCh37 (hg19) VCF-style: chr3-10188245-GT-G.
Other names: c.*18-3224del (NM_001354723.2); c.341-3224del (NM_198156.3); short protein forms N131fs.
Identifiers: ClinVar variation 1736103 (VCV001736103.2), dbSNP rs2470165240, ClinGen allele CA432421836.
Genomic context (GRCh38, chr3:10,146,561, plus strand): 5'-CTTGTCCCGATAGGTCACCTTTGGCTCTTCAGAGATGCAGGGACACACGATGGGCTTCTG[GT>G]TAACCAAACTGAATTATTTGTGCCATCTCTCAATGTTGACGGACAGCCTATTTTTGCCAA-3'

ClinVar aggregate classification (germline): Pathogenic (1 of 4 stars; one submission).

Conditions:
Hereditary cancer-predisposing syndrome. Also called: Neoplastic Syndromes, Hereditary; Tumor predisposition; Hereditary Cancer Syndrome; Hereditary neoplastic syndrome. Identifiers: Orphanet 140162, MedGen C0027672, MeSH D009386, MONDO:0015356.

Submission:

Ambry Genetics
Classification: Pathogenic for Hereditary cancer-predisposing syndrome. Last evaluated: 2018-06-07. Review status: criteria provided, single submitter. Criteria: Ambry Variant Classification Scheme 2023. Collection method: clinical testing. Allele origin: germline.
Comment: The c.390delT pathogenic mutation, located in coding exon 2 of the VHL gene, results from a deletion of one nucleotide at nucleotide position 390, causing a translational frameshift with a predicted alternate stop codon (p.N131Tfs*28). This pathogenic mutation has been reported in an individual with sporadic renal clear-cell carcinoma (van Houwelingen KP et al. BMC Cancer. 2005 Jun;5:57; Nordstrom-O'Brien M et al. Hum. Mutat. 2010 May;31:521-37). In addition to the clinical data presented in the literature, this alteration is expected to result in loss of function by premature protein truncation or nonsense-mediated mRNA decay. As such, this alteration is interpreted as a disease-causing mutation.

Literature cited by the submitters: PubMed 15932632; PubMed 20151405.